The following is an entry in ClinVar:

NM_000059.4(BRCA2):c.9138del (p.Gln3047fs)

Gene: BRCA2 (BRCA2 DNA repair associated; plus strand). Cytogenetic location: 13q13.1.
Variant type: Deletion.
Coding change: c.9138del on transcript NM_000059.4 (MANE Select); coding-DNA position 9138, one base deleted (T; older notation c.9138delT).
Protein change: p.Gln3047fs; shifts the reading frame from glutamine 3047.
Molecular consequence: frameshift variant. On other transcripts: non-coding transcript variant (1).
Genome position (GRCh38, 1-based): chr13:32,380,027, T deleted; the last of 3 consecutive T bases (chr13:32,380,025-32,380,027); deleting any one gives the same sequence. VCF-style (leftmost placement, unchanged base first): chr13-32380024-AT-A. GRCh37 (hg19) VCF-style: chr13-32954161-AT-A.
Other names: NP_000050.3:p.Gln3047ArgfsTer15; c.9042del, p.Gln3015fs (NM_001406719.1); c.9087del, p.Gln3030fs (NM_001406720.1); c.4206del, p.Gln1403fs (NM_001406721.1); c.2721del, p.Gln908fs (NM_001406722.1); c.9138del, p.Gln3047fs (NM_001432077.1); short protein forms Q3047fs, Q1403fs, Q3015fs, Q3030fs, Q908fs.
Identifiers: ClinVar variation 1325643 (VCV001325643.7), dbSNP rs2137624652, ClinGen allele CA2573149242.
Genomic context (GRCh38, chr13:32,380,024, plus strand): 5'-TATGGAATCTCCATATGTTGAATTTTTGTTTTGTTTTCTGTAGGTTTCAGATGAAATTTT[AT>A]TTCAGATTTACCAGCCACGGGAGCCCCTTCACTTCAGCAAATTTTTAGATCCAGACTTTC-3'

ClinVar aggregate classification (germline): Pathogenic. Review status: criteria provided, multiple submitters, no conflicts (2 of 4 stars). 3 submissions from 3 submitters: Pathogenic (3). Last evaluated 2026-01-26.

Conditions:
Hereditary cancer-predisposing syndrome. Also called: Hereditary neoplastic syndrome; Tumor predisposition; Neoplastic Syndromes, Hereditary; Hereditary Cancer Syndrome. Identifiers: Orphanet 140162, MedGen C0027672, MeSH D009386, MONDO:0015356.
Hereditary breast ovarian cancer syndrome. Also called: Hereditary breast and/or ovarian cancer syndrome; Hereditary breast and ovarian cancer; Breast and ovarian cancer; Hereditary breast and ovarian cancer syndrome (HBOC); BRCA1- and BRCA2-Associated Hereditary Breast and Ovarian Cancer; Hereditary breast and ovarian cancer syndrome. Identifiers: Orphanet 145, MedGen C0677776, MeSH D061325, MONDO:0003582. Disease mechanism: loss of function.

Submissions (3):

Ambry Genetics
Classification: Pathogenic for Hereditary cancer-predisposing syndrome. Last evaluated: 2026-01-26. Review status: criteria provided, single submitter. Criteria: Ambry Variant Classification Scheme 2023. Collection method: clinical testing. Allele origin: germline.
Comment: The c.9138delT pathogenic mutation, located in coding exon 23 of the BRCA2 gene, results from a deletion of one nucleotide at nucleotide position 9138, causing a translational frameshift with a predicted alternate stop codon (p.Q3047Rfs*15). This variant is considered to be rare based on population cohorts in the Genome Aggregation Database (gnomAD). This alteration is expected to result in loss of function by premature protein truncation or nonsense-mediated mRNA decay. As such, this alteration is interpreted as a disease-causing mutation.

Labcorp Genetics (formerly Invitae), Labcorp
Classification: Pathogenic for Hereditary breast ovarian cancer syndrome. Last evaluated: 2022-11-07. Review status: criteria provided, single submitter. Criteria: Invitae Variant Classification Sherloc (09022015). Collection method: clinical testing. Allele origin: germline.
Comment: For these reasons, this variant has been classified as Pathogenic. Algorithms developed to predict the effect of sequence changes on RNA splicing suggest that this variant may disrupt the consensus splice site. ClinVar contains an entry for this variant (Variation ID: 1325643). This variant has not been reported in the literature in individuals affected with BRCA2-related conditions. This variant is not present in population databases (gnomAD no frequency). This sequence change creates a premature translational stop signal (p.Gln3047Argfs*15) in the BRCA2 gene. It is expected to result in an absent or disrupted protein product. Loss-of-function variants in BRCA2 are known to be pathogenic (PMID: 20104584).

National Health Laboratory Service, Universitas Academic Hospital and University of the Free State
Classification: Pathogenic for Hereditary breast ovarian cancer syndrome. Last evaluated: 2021-11-16. Review status: criteria provided, single submitter. Criteria: ACMG Guidelines, 2015. Collection method: clinical testing. Allele origin: germline. Affected: yes. Observed: 2 variant alleles.

Literature cited by the submitters: PubMed 20104584 (cited by Labcorp Genetics (formerly Invitae), Labcorp); DOI 10.3389/fgene.2022.834265 (cited by National Health Laboratory Service, Universitas Academic Hospital and University of the Free State).